The following is an entry in ClinVar:

ClinVar aggregate classification (germline): Uncertain significance (1 of 4 stars; one submission).

Submission:

Labcorp Genetics (formerly Invitae), Labcorp
Classification: Uncertain significance. Last evaluated: 2022-02-06. Review status: criteria provided, single submitter. Criteria: Invitae Variant Classification Sherloc (09022015). Collection method: clinical testing. Allele origin: germline.
Comment: This variant, c.2632_2643dup, results in the insertion of 4 amino acid(s) of the SLC24A1 protein (p.Gln878_Glu881dup), but otherwise preserves the integrity of the reading frame. The frequency data for this variant in the population databases is considered unreliable, as metrics indicate poor data quality at this position in the gnomAD database. This variant has not been reported in the literature in individuals affected with SLC24A1-related conditions. In summary, the available evidence is currently insufficient to determine the role of this variant in disease. Therefore, it has been classified as a Variant of Uncertain Significance.

NM_004727.3(SLC24A1):c.2632_2643dup (p.Glu881_Glu882insGlnGluGluGlu)

Gene: SLC24A1 (solute carrier family 24 member 1; plus strand). Cytogenetic location: 15q22.31.
Variant type: Duplication.
Coding change: c.2632_2643dup on transcript NM_004727.3 (MANE Select); coding-DNA positions 2632 to 2643, 12 bases duplicated (CAGGAGGAAGAG).
Protein change: p.Glu881_Glu882insGlnGluGluGlu.
Molecular consequence: inframe insertion. On other transcripts: inframe indel (1).
Genome position (GRCh38, 1-based): chr15:65,650,781-65,650,792, CAGGAGGAAGAG duplicated; duplicating any 12 consecutive bases within chr15:65,650,770-65,650,792 gives the same sequence; the c. name uses the placement nearest the transcript's 3' end. VCF-style (leftmost placement, unchanged base first): chr15-65650769-G-GAGGAGGAAGAGC. GRCh37 (hg19) VCF-style: chr15-65943107-G-GAGGAGGAAGAGC.
Other names: c.613_624dup, p.Glu208_Glu209insGlnGluGluGlu (NM_001254740.2); c.2632_2643dup, p.Glu881_Glu882insGlnGluGluGlu (NM_001301031.1); c.2578_2589dup, p.Glu863_Glu864insGlnGluGluGlu (NM_001301032.1, NM_001301033.2); c.2290_2301dup, p.Glu767_Glu768insGlnGluGluGlu (NM_001411142.1).
Identifiers: ClinVar variation 2171683 (VCV002171683.2), dbSNP rs749217043, ClinGen allele CA7620162.